The following is an entry in ClinVar:

ClinVar aggregate classification (germline): Benign/Likely benign. Review status: criteria provided, multiple submitters, no conflicts (2 of 4 stars). 5 submissions from 5 submitters: Benign (1); Likely benign (2). 2 of the submissions do not count toward it. Last evaluated 2026-07-01.

Conditions:
OXCT1-related disorder. Also called: OXCT1-related condition.
Succinyl-CoA acetoacetate transferase deficiency (SCOTD). Also called: Succinyl CoA:3-oxoacid CoA transferase deficiency; KETOACIDOSIS DUE TO SCOT DEFICIENCY; 3-Oxoacid CoA Transferase Deficiency; SCOT DEFICIENCY; SUCCINYL-CoA:3-KETOACID CoA-TRANSFERASE DEFICIENCY. Identifiers: Orphanet 832, MedGen C0342792, MONDO:0009492, OMIM 245050.

Allele frequency attached by ClinVar (database versions not stated): 1000 Genomes Project 0.00200; 1000 Genomes Project 30x 0.00219; TOPMed 0.00238; gnomAD 0.00300 and 0.00315; ExAC 0.00304; gnomAD exomes 0.00306 and 0.00444; ESP Exome Variant Server 0.00315.
gnomAD v4.1: 6,525 of 1,534,376 alleles (0.43%); highest among the groups gnomAD compares: Non-Finnish European, 0.51%; 24 homozygotes.

Submissions (5):

CeGaT Center for Human Genetics Tuebingen
Classification: Likely benign. Last evaluated: 2026-07-01. Review status: criteria provided, single submitter. Criteria: CeGaT Center For Human Genetics Tuebingen Variant Classification Criteria Version 2. Collection method: clinical testing. Allele origin: germline. Affected: yes. Observed: 3 variant alleles.
Comment: OXCT1: BP4, BS2

Labcorp Genetics (formerly Invitae), Labcorp
Classification: Benign for Succinyl-CoA acetoacetate transferase deficiency. Last evaluated: 2025-12-21. Review status: criteria provided, single submitter. Criteria: Invitae Variant Classification Sherloc (09022015). Collection method: clinical testing. Allele origin: germline.

Illumina Laboratory Services, Illumina
Classification: Likely benign for Succinyl-CoA acetoacetate transferase deficiency. Last evaluated: 2018-01-13. Review status: criteria provided, single submitter. Criteria: ICSL Variant Classification Criteria 13 December 2019. Collection method: clinical testing. Allele origin: germline.
Comment: This variant was observed in the ICSL laboratory as part of a predisposition screen in an ostensibly healthy population. It had not been previously curated by ICSL or reported in the Human Gene Mutation Database (HGMD: prior to June 1st, 2018), and was therefore a candidate for classification through an automated scoring system. Utilizing variant allele frequency, disease prevalence and penetrance estimates, and inheritance mode, an automated score was calculated to assess if this variant is too frequent to cause the disease. Based on the score and internal cut-off values, a variant classified as likely benign is not then subjected to further curation. The score for this variant resulted in a classification of likely benign for this disease.

PreventionGenetics, part of Exact Sciences
Classification: Benign for OXCT1-related condition. Last evaluated: 2019-07-29. Review status: no assertion criteria provided. Collection method: clinical testing. Allele origin: germline. Not counted in ClinVar's aggregate classification.
Comment: This variant is classified as benign based on ACMG/AMP sequence variant interpretation guidelines (Richards et al. 2015 PMID: 25741868, with internal and published modifications).

Mayo Clinic Laboratories, Mayo Clinic
Classification: Likely benign. Last evaluated: 2016-03-04. Review status: no assertion criteria provided. Collection method: clinical testing. Allele origin: unknown. Not counted in ClinVar's aggregate classification.

NM_000436.4(OXCT1):c.733-3T>C

Gene: OXCT1 (3-oxoacid CoA-transferase 1; minus strand). Cytogenetic location: 5p13.1.
Variant type: single nucleotide variant.
Coding change: c.733-3T>C on transcript NM_000436.4 (MANE Select); 3 bases into the intron before coding-DNA position 733, T replaced by C.
Molecular consequence: intron variant.
Genome position (GRCh38, 1-based): chr5:41,807,441, A>G on the plus strand (T>C on the coding strand, the complement: OXCT1 is on the minus strand). VCF-style: chr5-41807441-A-G. GRCh37 (hg19) VCF-style: chr5-41807543-A-G.
Other names: c.727-3T>C (NM_001364301.2); c.733-3T>C (NM_001364302.2); c.754-3T>C (NM_001364299.2, NM_001364300.2); c.175-3T>C (NM_001364303.2).
Identifiers: ClinVar variation 353662 (VCV000353662.44), dbSNP rs77000151, ClinGen allele CA3253485.